The following is an entry in ClinVar:

NM_015073.3(SIPA1L3):c.76C>T (p.Leu26Phe)

Gene: SIPA1L3 (signal induced proliferation associated 1 like 3; plus strand). Cytogenetic location: 19q13.13.
Variant type: single nucleotide variant.
Coding change: c.76C>T on transcript NM_015073.3 (MANE Select); coding-DNA position 76, C replaced by T.
Protein change: p.Leu26Phe; replaces leucine 26 with phenylalanine.
Molecular consequence: missense variant.
Genome position (GRCh38, 1-based): chr19:38,081,641, C>T. VCF-style: chr19-38081641-C-T. GRCh37 (hg19) VCF-style: chr19-38572281-C-T.
Other names: short protein forms L26F.
Identifiers: ClinVar variation 1385780 (VCV001385780.6), dbSNP rs746139052, ClinGen allele CA9409021.

ClinVar aggregate classification (germline): Uncertain significance (1 of 4 stars; one submission).

Allele frequency attached by ClinVar (database versions not stated): TOPMed 0.00001; gnomAD exomes 0.00002 and 0.00003; ExAC 0.00004.
gnomAD v4.1: 22 of 1,607,850 alleles (0.0014%); highest among the groups gnomAD compares: Middle Eastern, 0.033%; no homozygotes.

Submission:

Labcorp Genetics (formerly Invitae), Labcorp
Classification: Uncertain significance. Last evaluated: 2022-08-09. Review status: criteria provided, single submitter. Criteria: Invitae Variant Classification Sherloc (09022015). Collection method: clinical testing. Allele origin: germline.
Comment: In summary, the available evidence is currently insufficient to determine the role of this variant in disease. Therefore, it has been classified as a Variant of Uncertain Significance. Algorithms developed to predict the effect of missense changes on protein structure and function are either unavailable or do not agree on the potential impact of this missense change (SIFT: "Deleterious"; PolyPhen-2: "Possibly Damaging"; Align-GVGD: "Class C0"). ClinVar contains an entry for this variant (Variation ID: 1385780). This variant has not been reported in the literature in individuals affected with SIPA1L3-related conditions. This variant is present in population databases (rs746139052, gnomAD 0.005%). This sequence change replaces leucine, which is neutral and non-polar, with phenylalanine, which is neutral and non-polar, at codon 26 of the SIPA1L3 protein (p.Leu26Phe).